The following is an entry in ClinVar:

NM_004329.3(BMPR1A):c.1343-5T>C

Gene: BMPR1A (bone morphogenetic protein receptor type 1A; plus strand). Cytogenetic location: 10q23.2.
Variant type: single nucleotide variant.
Coding change: c.1343-5T>C on transcript NM_004329.3 (MANE Select); 5 bases into the intron before coding-DNA position 1343, T replaced by C.
Molecular consequence: intron variant.
Genome position (GRCh38, 1-based): chr10:86,923,371, T>C. VCF-style: chr10-86923371-T-C. GRCh37 (hg19) VCF-style: chr10-88683128-T-C.
Identifiers: ClinVar variation 490980 (VCV000490980.11), dbSNP rs1554891558, ClinGen allele CA658683572.

ClinVar aggregate classification (germline): Conflicting classifications of pathogenicity. Review status: criteria provided, conflicting classifications (1 of 4 stars). 3 submissions from 3 submitters: Uncertain significance (1); Likely benign (2). Last evaluated 2025-08-25.

Conditions:
Juvenile polyposis syndrome (JPS). Identifiers: Orphanet 2929, MedGen C0345893, MONDO:0017380, OMIM 174900.
Hereditary cancer-predisposing syndrome. Also called: Tumor predisposition; Neoplastic Syndromes, Hereditary; Hereditary Cancer Syndrome; Hereditary neoplastic syndrome. Identifiers: Orphanet 140162, MedGen C0027672, MeSH D009386, MONDO:0015356.

Allele frequency attached by ClinVar (database versions not stated): TOPMed below 0.00001.

Submissions (3):

Ambry Genetics
Classification: Uncertain significance for Hereditary cancer-predisposing syndrome. Last evaluated: 2025-08-25. Review status: criteria provided, single submitter. Criteria: Ambry Variant Classification Scheme 2023. Collection method: clinical testing. Allele origin: germline.
Comment: The c.1343-5T>C intronic variant results from a T to C substitution 5 nucleotides upstream from coding exon 10 in the BMPR1A gene. This nucleotide position is well conserved in available vertebrate species. In silico splice site analysis predicts that this alteration will not have any significant effect on splicing; however, direct evidence is insufficient at this time (Ambry internal data). Based on the available evidence, the clinical significance of this variant remains unclear.

Labcorp Genetics (formerly Invitae), Labcorp
Classification: Likely benign for Juvenile polyposis syndrome. Last evaluated: 2022-07-06. Review status: criteria provided, single submitter. Criteria: Invitae Variant Classification Sherloc (09022015). Collection method: clinical testing. Allele origin: germline.

Color Diagnostics, LLC DBA Color Health
Classification: Likely benign for Hereditary cancer-predisposing syndrome. Last evaluated: 2017-05-19. Review status: criteria provided, single submitter. Criteria: ACMG Guidelines, 2015. Collection method: clinical testing. Allele origin: germline.